The following is an entry in ClinVar:

NM_018196.4(TMLHE):c.241C>T (p.Arg81Cys)

Gene: TMLHE (trimethyllysine hydroxylase, epsilon; minus strand). Cytogenetic location: Xq28.
Variant type: single nucleotide variant.
Coding change: c.241C>T on transcript NM_018196.4 (MANE Select); coding-DNA position 241, C replaced by T.
Protein change: p.Arg81Cys; replaces arginine 81 with cysteine.
Molecular consequence: missense variant.
Genome position (GRCh38, 1-based): chrX:155,524,573, G>A on the plus strand (C>T on the coding strand, the complement: TMLHE is on the minus strand). VCF-style: chrX-155524573-G-A. GRCh37 (hg19) VCF-style: chrX-154754234-G-A.
Other names: c.241C>T, p.Arg81Cys (NM_001184797.2); short protein forms R81C.
Identifiers: ClinVar variation 3029408 (VCV003029408.2), dbSNP rs1224142596, ClinGen allele CA414937534.

ClinVar aggregate classification (germline): Uncertain significance (0 of 4 stars; one submission).

Conditions:
TMLHE-related disorder. Also called: TMLHE-related condition.

Allele frequency attached by ClinVar (database versions not stated): gnomAD exomes 0.00001; gnomAD 0.00002; TOPMed 0.00002.
gnomAD v4.1: 8 of 1,204,447 alleles (0.00066%); highest among the groups gnomAD compares: East Asian, 0.006%; no homozygotes.

Submission:

PreventionGenetics, part of Exact Sciences
Classification: Uncertain significance for TMLHE-related condition. Last evaluated: 2023-12-19. Review status: no assertion criteria provided. Collection method: clinical testing. Allele origin: germline.
Comment: The TMLHE c.241C>T variant is predicted to result in the amino acid substitution p.Arg81Cys. To our knowledge, this variant has not been reported in the literature or in a large population database, indicating this variant is rare. At this time, the clinical significance of this variant is uncertain due to the absence of conclusive functional and genetic evidence.